The following is an entry in ClinVar:

ClinVar aggregate classification (germline): Uncertain significance. Review status: criteria provided, single submitter (1 of 4 stars). 2 submissions from 2 submitters: Uncertain significance (1). 1 of the submissions does not count toward it. Last evaluated 2025-10-19.

Conditions:
Emery-Dreifuss muscular dystrophy (EDMD). Also called: Scapuloperoneal syndrome, X-linked (formerly); Humeroperoneal neuromuscular disease, (formerly). Identifiers: Orphanet 261, MedGen C0410189, MONDO:0016830.
X-linked Emery-Dreifuss muscular dystrophy. Also called: Muscular dystrophy, tardive Emery-Dreifuss type, with contractures. Identifiers: Orphanet 261, Orphanet 98863, MedGen C0751337, MONDO:0010680.

Allele frequency attached by ClinVar (database versions not stated): ExAC 0.00001; gnomAD exomes 0.00001; 1000 Genomes Project 30x 0.00021.

Submissions (2):

Labcorp Genetics (formerly Invitae), Labcorp
Classification: Uncertain significance for X-linked Emery-Dreifuss muscular dystrophy. Last evaluated: 2025-10-19. Review status: criteria provided, single submitter. Criteria: Invitae Variant Classification Sherloc (09022015). Collection method: clinical testing. Allele origin: germline.
Comment: This sequence change replaces serine, which is neutral and polar, with phenylalanine, which is neutral and non-polar, at codon 196 of the EMD protein (p.Ser196Phe). The frequency data for this variant in the population databases is considered unreliable, as metrics indicate poor data quality at this position in the gnomAD database. This variant has not been reported in the literature in individuals affected with EMD-related conditions. ClinVar contains an entry for this variant (Variation ID: 967061). Invitae Evidence Modeling of protein sequence and biophysical properties (such as structural, functional, and spatial information, amino acid conservation, physicochemical variation, residue mobility, and thermodynamic stability) indicates that this missense variant is not expected to disrupt EMD protein function with a negative predictive value of 80%. In summary, the available evidence is currently insufficient to determine the role of this variant in disease. Therefore, it has been classified as a Variant of Uncertain Significance.

Natera, Inc.
Classification: Uncertain significance for Emery-Dreifuss muscular dystrophy. Last evaluated: 2020-12-16. Review status: no assertion criteria provided. Collection method: clinical testing. Allele origin: germline. Not counted in ClinVar's aggregate classification.

NM_000117.3(EMD):c.587C>T (p.Ser196Phe)

Gene: EMD (emerin; plus strand). Cytogenetic location: Xq28.
Variant type: single nucleotide variant.
Coding change: c.587C>T on transcript NM_000117.3 (MANE Select); coding-DNA position 587, C replaced by T.
Protein change: p.Ser196Phe; replaces serine 196 with phenylalanine.
Molecular consequence: missense variant.
Genome position (GRCh38, 1-based): chrX:154,381,019, C>T. VCF-style: chrX-154381019-C-T. GRCh37 (hg19) VCF-style: chrX-153609379-C-T.
Other names: short protein forms S196F.
Identifiers: ClinVar variation 967061 (VCV000967061.8), dbSNP rs781900414, ClinGen allele CA10561642.